The following is an entry in ClinVar:

ClinVar aggregate classification (germline): Conflicting classifications of pathogenicity. Review status: criteria provided, conflicting classifications (1 of 4 stars). 6 submissions from 6 submitters: Uncertain significance (2); Likely benign (2). 2 of the submissions do not count toward it. Last evaluated 2026-02-02.

Conditions:
Nephronophthisis. Also called: Juvenile Nephronophthisis. Identifiers: Orphanet 655, MedGen C0687120, MONDO:0019005, HP:0000090.
NPHP4-related disorder. Also called: NPHP4-related disorders; NPHP4-related condition. Identifiers: MedGen CN239384.

Allele frequency attached by ClinVar (database versions not stated): TOPMed 0.00006; gnomAD 0.00007 and 0.00011; ESP Exome Variant Server 0.00008; gnomAD exomes 0.00018 and 0.00024; ExAC 0.00023; 1000 Genomes Project 0.00060; 1000 Genomes Project 30x 0.00062.
gnomAD v4.1: 291 of 1,611,128 alleles (0.018%); highest among the groups gnomAD compares: South Asian, 0.07%; 2 homozygotes.

Submissions (6):

PreventionGenetics, part of Exact Sciences
Classification: Uncertain significance for NPHP4-related condition. Last evaluated: 2026-02-02. Review status: criteria provided, single submitter. Criteria: ACMG Guidelines, 2015. Collection method: clinical testing. Allele origin: germline.
Comment: The NPHP4 c.2902G>A variant is predicted to result in the amino acid substitution p.Ala968Thr. To our knowledge, this variant has not been reported in the literature. This variant is reported in 0.11% of alleles in individuals of South Asian descent in gnomAD. At this time, the clinical significance of this variant is uncertain due to the absence of conclusive functional and genetic evidence.

Labcorp Genetics (formerly Invitae), Labcorp
Classification: Likely benign for Nephronophthisis. Last evaluated: 2025-09-08. Review status: criteria provided, single submitter. Criteria: Invitae Variant Classification Sherloc (09022015). Collection method: clinical testing. Allele origin: germline.

Blueprint Genetics
Classification: Likely benign. Last evaluated: 2024-05-28. Review status: criteria provided, single submitter. Criteria: ACMG Guidelines, 2015. Collection method: clinical testing. Allele origin: germline.

Eurofins Ntd Llc (ga)
Classification: Uncertain significance. Last evaluated: 2017-08-23. Review status: criteria provided, single submitter. Criteria: EGL Classification Definitions 2015. Collection method: clinical testing. Allele origin: germline. Observed: 4 variant alleles, 4 heterozygotes.

Clinical Genetics DNA and cytogenetics Diagnostics Lab, Erasmus MC, Erasmus Medical Center
Classification: Likely benign. Review status: no assertion criteria provided. Collection method: clinical testing. Allele origin: germline. Affected: yes. Study: VKGL Data-share Consensus. Not counted in ClinVar's aggregate classification.

Clinical Genetics, Academic Medical Center
Classification: Likely benign. Review status: no assertion criteria provided. Collection method: clinical testing. Allele origin: germline. Affected: yes. Study: VKGL Data-share Consensus. Not counted in ClinVar's aggregate classification.

NM_015102.5(NPHP4):c.2902G>A (p.Ala968Thr)

Gene: NPHP4 (nephrocystin 4; minus strand). Cytogenetic location: 1p36.31.
Variant type: single nucleotide variant.
Coding change: c.2902G>A on transcript NM_015102.5 (MANE Select); coding-DNA position 2902, G replaced by A.
Protein change: p.Ala968Thr; replaces alanine 968 with threonine.
Molecular consequence: missense variant. On other transcripts: non-coding transcript variant (1).
Genome position (GRCh38, 1-based): chr1:5,875,016, C>T on the plus strand (G>A on the coding strand, the complement: NPHP4 is on the minus strand). VCF-style: chr1-5875016-C-T. GRCh37 (hg19) VCF-style: chr1-5935076-C-T.
Other names: c.2902G>A (NM_015102.4); c.1363G>A, p.Ala455Thr (NM_001291593.2); c.1366G>A, p.Ala456Thr (NM_001291594.2); short protein forms A968T, A456T, A455T.
Identifiers: ClinVar variation 291052 (VCV000291052.17), dbSNP rs375090704, ClinGen allele CA553883.